The following is an entry in ClinVar:

ClinVar aggregate classification (germline): Conflicting classifications of pathogenicity. Review status: criteria provided, conflicting classifications (1 of 4 stars). 2 submissions from 2 submitters: Likely pathogenic (1); Uncertain significance (1). Last evaluated 2023-11-14.

Conditions:
Cockayne syndrome. Identifiers: Orphanet 191, MedGen C0009207, MONDO:0016006.
Fanconi anemia complementation group Q. Identifiers: Orphanet 84, MedGen C3808988, MONDO:0014108, OMIM 615272.
Xeroderma pigmentosum, group F (XPF). Also called: XERODERMA PIGMENTOSUM, TYPE F; ERCC4-Related Xeroderma Pigmentosum; XERODERMA PIGMENTOSUM VI; XP, GROUP F; XERODERMA PIGMENTOSUM, COMPLEMENTATION GROUP F; Xeroderma pigmentosum, type 6. Identifiers: MedGen C0268140, MONDO:0010215, OMIM 278760.
Ovarian cancer. Also called: OVARIAN CANCER, SOMATIC. Identifiers: Orphanet 213500, MedGen C1140680, MONDO:0008170, OMIM 167000.

Allele frequency attached by ClinVar (database versions not stated): gnomAD exomes below 0.00001.
gnomAD v4.1: 1 of 1,606,972 alleles (0.000062%); highest among the groups gnomAD compares: East Asian, 0.0022%; no homozygotes.

Submissions (2):

Labcorp Genetics (formerly Invitae), Labcorp
Classification: Uncertain significance for Fanconi anemia complementation group Q; Xeroderma pigmentosum, group F; Cockayne syndrome. Last evaluated: 2023-11-14. Review status: criteria provided, single submitter. Criteria: Invitae Variant Classification Sherloc (09022015). Collection method: clinical testing. Allele origin: germline.
Comment: This sequence change replaces valine, which is neutral and non-polar, with methionine, which is neutral and non-polar, at codon 34 of the ERCC4 protein (p.Val34Met). This variant is not present in population databases (gnomAD no frequency). This variant has not been reported in the literature in individuals affected with ERCC4-related conditions. ClinVar contains an entry for this variant (Variation ID: 2445325). Advanced modeling of protein sequence and biophysical properties (such as structural, functional, and spatial information, amino acid conservation, physicochemical variation, residue mobility, and thermodynamic stability) performed at Invitae indicates that this missense variant is expected to disrupt ERCC4 protein function with a positive predictive value of 80%. In summary, the available evidence is currently insufficient to determine the role of this variant in disease. Therefore, it has been classified as a Variant of Uncertain Significance.

Laboratory of Molecular Epidemiology of Birth Defects, West China Second University Hospital, Sichuan University
Classification: Likely pathogenic for Ovarian cancer. Last evaluated: 2022-01-01. Review status: criteria provided, single submitter. Criteria: ACMG Guidelines, 2015. Collection method: clinical testing. Allele origin: germline. Affected: yes.

NM_005236.3(ERCC4):c.100G>A (p.Val34Met)

Genes: ERCC4 (ERCC excision repair 4, endonuclease catalytic subunit; plus strand), LOC130058543 (ATAC-STARR-seq lymphoblastoid active region 10486; plus strand). Cytogenetic location: 16p13.12.
Variant type: single nucleotide variant.
Coding change: c.100G>A on transcript NM_005236.3 (MANE Select); coding-DNA position 100, G replaced by A.
Protein change: p.Val34Met; replaces valine 34 with methionine.
Molecular consequence: missense variant.
Genome position (GRCh38, 1-based): chr16:13,920,265, G>A. VCF-style: chr16-13920265-G-A. GRCh37 (hg19) VCF-style: chr16-14014122-G-A.
Other names: short protein forms V34M.
Identifiers: ClinVar variation 2445325 (VCV002445325.5), dbSNP rs61731714, ClinGen allele CA394816150.